The following is an entry in ClinVar:

ClinVar aggregate classification (germline): Conflicting classifications of pathogenicity. Review status: criteria provided, conflicting classifications (1 of 4 stars). 4 submissions from 4 submitters: Likely pathogenic (1); Uncertain significance (3). Last evaluated 2025-01-29.

Conditions:
Spondyloepimetaphyseal dysplasia, Missouri type. Identifiers: Orphanet 1040, Orphanet 93356, MedGen C1865832, MONDO:0011198, OMIM 602111.
Metaphyseal chondrodysplasia, Spahr type (MDST). Identifiers: Orphanet 2501, MedGen C0432225, MONDO:0009597, OMIM 250400.

Submissions (4):

Clinical Genetics Laboratory, Sahlgrenska University Hospital
Classification: Likely pathogenic for Spondyloepimetaphyseal dysplasia, Missouri type. Last evaluated: 2025-01-29. Review status: criteria provided, single submitter. Criteria: ACMG Guidelines, 2015. Collection method: clinical testing. Allele origin: paternal, unknown. Inheritance: Autosomal dominant inheritance. Affected: yes. Observed: 3 variant alleles, 3 heterozygotes.
Comment: The Ser73Pro variant has been previously reported as a variant of unknown significance in clinvar (Accession ID: VCV002700735.4. The variant is absent from large population databases. In silico predictions of missense effects results in a conflicting prediction. Neighbouring residues has been reported as pathogenic (see Lausch 2009, Kennedy 2005) in the pro-domain of the mmp13 protein. The following ACMG criteria was applied: PM2, PP1, PP4 and PM1 which meets our criteria to be classfied as likely pathogenic.

Neuberg Centre For Genomic Medicine, NCGM
Classification: Uncertain significance for Spondyloepimetaphyseal dysplasia, Missouri type. Last evaluated: 2024-02-01. Review status: criteria provided, single submitter. Criteria: ACMG Guidelines, 2015. Collection method: clinical testing. Allele origin: germline. Inheritance: Autosomal dominant inheritance.
Comment: The above variant has not been reported previously as a pathogenic variant nor as a benign variant, to our knowledge. For these reasons, this variant has been classified as Variant of Uncertain Significance (VUS).

Labcorp Genetics (formerly Invitae), Labcorp
Classification: Uncertain significance. Last evaluated: 2023-12-03. Review status: criteria provided, single submitter. Criteria: Invitae Variant Classification Sherloc (09022015). Collection method: clinical testing. Allele origin: germline.
Comment: This sequence change replaces serine, which is neutral and polar, with proline, which is neutral and non-polar, at codon 73 of the MMP13 protein (p.Ser73Pro). This variant is not present in population databases (gnomAD no frequency). This variant has not been reported in the literature in individuals affected with MMP13-related conditions. Advanced modeling of protein sequence and biophysical properties (such as structural, functional, and spatial information, amino acid conservation, physicochemical variation, residue mobility, and thermodynamic stability) performed at Invitae indicates that this missense variant is not expected to disrupt MMP13 protein function with a negative predictive value of 80%. In summary, the available evidence is currently insufficient to determine the role of this variant in disease. Therefore, it has been classified as a Variant of Uncertain Significance.

Juno Genomics, Hangzhou Juno Genomics, Inc
Classification: Uncertain significance for Spondyloepimetaphyseal dysplasia, Missouri type; Metaphyseal chondrodysplasia, Spahr type. Review status: criteria provided, single submitter. Criteria: ACMG Guidelines, 2015. Collection method: clinical testing. Allele origin: germline.
Comment: Absent from controls (or at extremely low frequency if recessive) in Genome Aggregation Database.;Multiple lines of computational evidence suggest no impact on gene or gene product.;Located in a mutational hot spot and/or critical and well-established functional domain without benign variation.

Literature cited by the submitters: PubMed 19615667 (cited by Clinical Genetics Laboratory, Sahlgrenska University Hospital); PubMed 16167086 (cited by Clinical Genetics Laboratory, Sahlgrenska University Hospital).

NM_002427.4(MMP13):c.217T>C (p.Ser73Pro)

Genes: MMP13 (matrix metallopeptidase 13; minus strand), LOC126861318 (BRD4-independent group 4 enhancer GRCh37_chr11:102825894-102827093; plus strand). Cytogenetic location: 11q22.2.
Variant type: single nucleotide variant.
Coding change: c.217T>C on transcript NM_002427.4 (MANE Select); coding-DNA position 217, T replaced by C.
Protein change: p.Ser73Pro; replaces serine 73 with proline.
Molecular consequence: missense variant.
Genome position (GRCh38, 1-based): chr11:102,955,397, A>G on the plus strand (T>C on the coding strand, the complement: MMP13 is on the minus strand). VCF-style: chr11-102955397-A-G. GRCh37 (hg19) VCF-style: chr11-102826126-A-G.
Other names: short protein forms S73P.
Identifiers: ClinVar variation 2700735 (VCV002700735.7), dbSNP rs2496470163, ClinGen allele CA382232810.